The following is an entry in ClinVar:

NM_001042492.3(NF1):c.1337C>T (p.Thr446Ile)

Gene: NF1 (neurofibromin 1; plus strand). Cytogenetic location: 17q11.2.
Variant type: single nucleotide variant.
Coding change: c.1337C>T on transcript NM_001042492.3 (MANE Select); coding-DNA position 1337, C replaced by T.
Protein change: p.Thr446Ile; replaces threonine 446 with isoleucine.
Molecular consequence: missense variant.
Genome position (GRCh38, 1-based): chr17:31,206,316, C>T. VCF-style: chr17-31206316-C-T. GRCh37 (hg19) VCF-style: chr17-29533334-C-T.
Other names: c.1337C>T, p.Thr446Ile (NM_000267.4, NM_001128147.3); short protein forms T446I.
Identifiers: ClinVar variation 953156 (VCV000953156.11), dbSNP rs1389152072, ClinGen allele CA398999548.
Genomic context (GRCh38, chr17:31,206,316, plus strand): 5'-GGCCTAAGATTGATGCTGTGTATTGTCACTCGGTTGAACTTCGAAATATGTTTGGTGAAA[C>T]ACTTCATAAAGCAGTGCAAGGTTGTGGAGCACACCCAGCAATACGAATGGCACCGGTAAG-3'
Protein context (NP_001035957.1, residues 436-456): SVELRNMFGE[Thr446Ile]LHKAVQGCGA

ClinVar aggregate classification (germline): Uncertain significance. Review status: criteria provided, multiple submitters, no conflicts (2 of 4 stars). 5 submissions from 5 submitters: Uncertain significance (5). Last evaluated 2025-10-01.

Conditions:
Cardiovascular phenotype. Identifiers: MedGen CN230736.
Hereditary cancer-predisposing syndrome. Also called: Hereditary neoplastic syndrome; Tumor predisposition; Neoplastic Syndromes, Hereditary; Hereditary Cancer Syndrome. Identifiers: Orphanet 140162, MedGen C0027672, MeSH D009386, MONDO:0015356.
Juvenile myelomonocytic leukemia (JMML). Also called: LEUKEMIA, JUVENILE MYELOMONOCYTIC, SOMATIC. Identifiers: Orphanet 86834, MedGen C0349639, MONDO:0011908, OMIM 607785, HP:0012209.
Neurofibromatosis, type 1 (NF1). Also called: VON RECKLINGHAUSEN DISEASE; NEUROFIBROMATOSIS, TYPE I, SOMATIC; Peripheral type neurofibromatosis; Neurofibromatosis, type I. Identifiers: Orphanet 636, MedGen C0027831, MONDO:0018975, OMIM 162200. Disease mechanism: loss of function.

Allele frequency attached by ClinVar (database versions not stated): gnomAD exomes below 0.00001 and 0.00001; TOPMed below 0.00001.
gnomAD v4.1: 2 of 1,613,854 alleles (0.00012%); highest among the groups gnomAD compares: East Asian, 0.0022%; no homozygotes.

Submissions (5):

Labcorp Genetics (formerly Invitae), Labcorp
Classification: Uncertain significance for Neurofibromatosis, type 1. Last evaluated: 2025-10-01. Review status: criteria provided, single submitter. Criteria: Invitae Variant Classification Sherloc (09022015). Collection method: clinical testing. Allele origin: germline.
Comment: This sequence change replaces threonine, which is neutral and polar, with isoleucine, which is neutral and non-polar, at codon 446 of the NF1 protein (p.Thr446Ile). This variant is present in population databases (no rsID available, gnomAD 0.007%). This variant has not been reported in the literature in individuals affected with NF1-related conditions. ClinVar contains an entry for this variant (Variation ID: 953156). Invitae Evidence Modeling of protein sequence and biophysical properties (such as structural, functional, and spatial information, amino acid conservation, physicochemical variation, residue mobility, and thermodynamic stability) indicates that this missense variant is expected to disrupt NF1 protein function with a positive predictive value of 80%. In summary, the available evidence is currently insufficient to determine the role of this variant in disease. Therefore, it has been classified as a Variant of Uncertain Significance.

Ambry Genetics
Classification: Uncertain significance for Cardiovascular phenotype; Hereditary cancer-predisposing syndrome. Last evaluated: 2025-08-25. Review status: criteria provided, single submitter. Criteria: Ambry Variant Classification Scheme 2023. Collection method: clinical testing. Allele origin: germline.
Comment: The p.T446I variant (also known as c.1337C>T), located in coding exon 12 of the NF1 gene, results from a C to T substitution at nucleotide position 1337. The threonine at codon 446 is replaced by isoleucine, an amino acid with similar properties. This amino acid position is conserved. In addition, this alteration is predicted to be deleterious by in silico analysis. Based on the available evidence, the clinical significance of this variant remains unclear.

Baylor Genetics
Classification: Uncertain significance for Juvenile myelomonocytic leukemia. Last evaluated: 2024-02-11. Review status: criteria provided, single submitter. Criteria: ACMG Guidelines, 2015. Collection method: clinical testing. Allele origin: unknown.

Genome-Nilou Lab
Classification: Uncertain significance for Neurofibromatosis, type 1. Last evaluated: 2022-03-15. Review status: criteria provided, single submitter. Criteria: ACMG Guidelines, 2015. Collection method: clinical testing. Allele origin: germline. Affected: no.

GeneDx
Classification: Uncertain significance. Last evaluated: 2020-06-04. Review status: criteria provided, single submitter. Criteria: GeneDx Variant Classification Process June 2021. Collection method: clinical testing. Allele origin: germline. Affected: yes.
Comment: In silico analysis supports that this missense variant has a deleterious effect on protein structure/function; Has not been previously published as pathogenic or benign to our knowledge